The following is an entry in ClinVar:

ClinVar aggregate classification (germline): Uncertain significance (1 of 4 stars; one submission).

Conditions:
Charcot-Marie-Tooth disease recessive intermediate C. Also called: CHARCOT-MARIE-TOOTH NEUROPATHY, RECESSIVE INTERMEDIATE C. Identifiers: Orphanet 369867, MedGen C3809309, MONDO:0014154, OMIM 615376.
Neuronopathy, distal hereditary motor, autosomal recessive 4. Also called: Autosomal recessive lower motor neuron disease with childhood onset; NEUROPATHY, DISTAL HEREDITARY MOTOR, AUTOSOMAL RECESSIVE 4. Identifiers: Orphanet 206580, MedGen C1970211, MONDO:0012608, OMIM 611067.

Allele frequency attached by ClinVar (database versions not stated): gnomAD exomes below 0.00001; TOPMed 0.00001.
gnomAD v4.1: 1 of 1,613,978 alleles (0.000062%); highest among the groups gnomAD compares: Non-Finnish European, 0.000085%; no homozygotes.

Submission:

Labcorp Genetics (formerly Invitae), Labcorp
Classification: Uncertain significance for Neuronopathy, distal hereditary motor, autosomal recessive 4; Charcot-Marie-Tooth disease recessive intermediate C. Last evaluated: 2021-02-09. Review status: criteria provided, single submitter. Criteria: Invitae Variant Classification Sherloc (09022015). Collection method: clinical testing. Allele origin: germline.
Comment: This sequence change replaces tyrosine with cysteine at codon 136 of the PLEKHG5 protein (p.Tyr136Cys). The tyrosine residue is moderately conserved and there is a large physicochemical difference between tyrosine and cysteine. This variant is not present in population databases (ExAC no frequency). This variant has not been reported in the literature in individuals with PLEKHG5-related conditions. Algorithms developed to predict the effect of missense changes on protein structure and function are either unavailable or do not agree on the potential impact of this missense change (SIFT: "Tolerated"; PolyPhen-2: "Probably Damaging"; Align-GVGD: "Class C0"). In summary, the available evidence is currently insufficient to determine the role of this variant in disease. Therefore, it has been classified as a Variant of Uncertain Significance.

NM_020631.6(PLEKHG5):c.407A>G (p.Tyr136Cys)

Gene: PLEKHG5 (pleckstrin homology and RhoGEF domain containing G5; minus strand). Cytogenetic location: 1p36.31.
Variant type: single nucleotide variant.
Coding change: c.407A>G on transcript NM_020631.6 (MANE Select); coding-DNA position 407, A replaced by G.
Protein change: p.Tyr136Cys; replaces tyrosine 136 with cysteine.
Molecular consequence: missense variant.
Genome position (GRCh38, 1-based): chr1:6,474,483, T>C on the plus strand (A>G on the coding strand, the complement: PLEKHG5 is on the minus strand). VCF-style: chr1-6474483-T-C. GRCh37 (hg19) VCF-style: chr1-6534543-T-C.
Other names: c.518A>G, p.Tyr173Cys (NM_001042663.3, NM_001265592.2); c.407A>G, p.Tyr136Cys (NM_001042664.2, NM_001042665.2, NM_001265594.3 and 1 more transcripts); c.614A>G, p.Tyr205Cys (NM_001265593.2); short protein forms Y136C, Y205C, Y173C.
Identifiers: ClinVar variation 1411968 (VCV001411968.8), dbSNP rs986133840, ClinGen allele CA17243754.